The following is an entry in ClinVar:

ClinVar aggregate classification (germline): Conflicting classifications of pathogenicity. Review status: criteria provided, conflicting classifications (1 of 4 stars). 4 submissions from 4 submitters: Uncertain significance (1); Likely benign (3). Last evaluated 2025-12-08.

Conditions:
Cardiomyopathy (CMYO). Also called: Cardiomyopathies. Identifiers: Orphanet 167848, MedGen C0878544, MONDO:0004994, HP:0001638. Inheritance: Various modes of inheritance.
Hypertrophic cardiomyopathy 2. Also called: TNNT2-Related Familial Hypertrophic Cardiomyopathy. Identifiers: MedGen C1861864, MONDO:0007266, OMIM 115195.
Cardiomyopathy, familial restrictive, 3. Identifiers: Orphanet 75249, MedGen C2676271, MONDO:0012900, OMIM 612422.
Dilated cardiomyopathy 1D. Identifiers: Orphanet 154, Orphanet 54260, MedGen C1832243, MONDO:0011095, OMIM 601494.

Allele frequency attached by ClinVar (database versions not stated): gnomAD exomes below 0.00001; ExAC 0.00001; TOPMed 0.00001; ESP Exome Variant Server 0.00008.

Submissions (4):

Labcorp Genetics (formerly Invitae), Labcorp
Classification: Likely benign for Cardiomyopathy, familial restrictive, 3; Hypertrophic cardiomyopathy 2; Dilated cardiomyopathy 1D. Last evaluated: 2025-12-08. Review status: criteria provided, single submitter. Criteria: Invitae Variant Classification Sherloc (09022015). Collection method: clinical testing. Allele origin: germline.

All of Us Research Program, National Institutes of Health
Classification: Likely benign for Cardiomyopathy. Last evaluated: 2024-07-20. Review status: criteria provided, single submitter. Criteria: ACMG Guidelines, 2015. Collection method: clinical testing. Allele origin: germline. Inheritance: Autosomal dominant inheritance. Observed: 1 variant allele, 1 heterozygote.
Comment: This study involves interpretation of variants in research participants for the purpose of population health screening. Participant phenotype was not available at the time of variant classification. Additional details can be found in publication PMID: 35346344, PMCID: PMC8962531

Color Diagnostics, LLC DBA Color Health
Classification: Likely benign for Cardiomyopathy. Last evaluated: 2019-12-10. Review status: criteria provided, single submitter. Criteria: ACMG Guidelines, 2015. Collection method: clinical testing. Allele origin: germline.

CHEO Genetics Diagnostic Laboratory, Children's Hospital of Eastern Ontario
Classification: Uncertain significance for Cardiomyopathy. Last evaluated: 2015-11-09. Review status: criteria provided, single submitter. Criteria: ACMG Guidelines, 2015. Collection method: clinical testing. Allele origin: germline. Study: Canadian Open Genetics Repository.

NM_001276345.2(TNNT2):c.610-10C>T

Gene: TNNT2 (troponin T2, cardiac type; minus strand). Cytogenetic location: 1q32.1.
Variant type: single nucleotide variant.
Coding change: c.610-10C>T on transcript NM_001276345.2 (MANE Select); 10 bases into the intron before coding-DNA position 610, C replaced by T.
Molecular consequence: intron variant.
Genome position (GRCh38, 1-based): chr1:201,362,032, G>A on the plus strand (C>T on the coding strand, the complement: TNNT2 is on the minus strand). VCF-style: chr1-201362032-G-A. GRCh37 (hg19) VCF-style: chr1-201331160-G-A.
Other names: c.562-10C>T (NM_001001432.3); c.571-10C>T (NM_001001431.3); c.580-10C>T (NM_001001430.3, NM_001276347.2); c.481-10C>T (NM_001276346.2); c.601-10C>T (NM_000364.4).
Identifiers: ClinVar variation 537263 (VCV000537263.16), dbSNP rs375547142, ClinGen allele CA089063.
Genomic context (GRCh38, chr1:201,362,032, plus strand): 5'-CTTCTTCTTCTTTTCCCGCTCAGTCTGCCTCTTCCCACTTTTCCGCTCTGTCTGGAGGGT[G>A]TGGGAAGCAGAGTAAACTGGCCAGATTGCCCCCTCCCTGTCCCCTAACCCTCCCCAAACC-3'